The following is an entry in ClinVar:

ClinVar aggregate classification (germline): Uncertain significance. Review status: criteria provided, multiple submitters, no conflicts (2 of 4 stars). 2 submissions from 2 submitters: Uncertain significance (2). Last evaluated 2025-02-02.

Conditions:
Zellweger spectrum disorders (ZS). Also called: Zellweger Spectrum Disorder (ZSD); Zellweger syndrome; Zellweger Spectrum Disorder; Zellweger Spectrum. Identifiers: Orphanet 912, MedGen C0043459, MONDO:0019609.

Allele frequency attached by ClinVar (database versions not stated): TOPMed below 0.00001; gnomAD 0.00001; gnomAD exomes 0.00004 and 0.00009; ESP Exome Variant Server 0.00008; ExAC 0.00017.
gnomAD v4.1: 69 of 1,613,838 alleles (0.0043%); highest among the groups gnomAD compares: Non-Finnish European, 0.0043%; 1 homozygote.

Submissions (2):

Mayo Clinic Laboratories, Mayo Clinic
Classification: Uncertain significance. Last evaluated: 2025-02-02. Review status: criteria provided, single submitter. Criteria: ACMG Guidelines, 2015. Collection method: clinical testing. Allele origin: germline. Observed: 1 variant allele.

Labcorp Genetics (formerly Invitae), Labcorp
Classification: Uncertain significance for Zellweger spectrum disorders. Last evaluated: 2022-06-22. Review status: criteria provided, single submitter. Criteria: Invitae Variant Classification Sherloc (09022015). Collection method: clinical testing. Allele origin: germline.
Comment: This sequence change replaces glutamine, which is neutral and polar, with arginine, which is basic and polar, at codon 930 of the PEX1 protein (p.Gln930Arg). This variant is present in population databases (rs201376737, gnomAD 0.02%). This variant has not been reported in the literature in individuals affected with PEX1-related conditions. Algorithms developed to predict the effect of missense changes on protein structure and function (SIFT, PolyPhen-2, Align-GVGD) all suggest that this variant is likely to be tolerated. In summary, the available evidence is currently insufficient to determine the role of this variant in disease. Therefore, it has been classified as a Variant of Uncertain Significance.

NM_000466.3(PEX1):c.2789A>G (p.Gln930Arg)

Genes: GATAD1 (GATA zinc finger domain containing 1; plus strand), PEX1 (peroxisomal biogenesis factor 1; minus strand). Cytogenetic location: 7q21.2.
Variant type: single nucleotide variant.
Coding change: c.2789A>G on transcript NM_000466.3 (MANE Select); coding-DNA position 2789, A replaced by G.
Protein change: p.Gln930Arg; replaces glutamine 930 with arginine.
Molecular consequence: missense variant.
Genome position (GRCh38, 1-based): chr7:92,494,624, T>C on the plus strand (A>G on the coding strand, the complement: PEX1 is on the minus strand). VCF-style: chr7-92494624-T-C. GRCh37 (hg19) VCF-style: chr7-92123938-T-C.
Other names: p.Gln930Arg; c.2618A>G, p.Gln873Arg (NM_001282677.2); c.2165A>G, p.Gln722Arg (NM_001282678.2); short protein forms Q722R, Q873R, Q930R.
Identifiers: ClinVar variation 1394538 (VCV001394538.7), dbSNP rs201376737, ClinGen allele CA4341001.
Genomic context (GRCh38, chr7:92,494,624, plus strand): 5'-CCCCGCCGAGGAGCAATGGATTCAAATTCATCAAAGAAAAGAATGCAGGGCTTTGCAGCC[T>C]GTGCTCTGGGAAAAACAAACAACATTTCATATTTGAATCAGGCTTCATAGTTGGCAAAGT-3'
Protein context (NP_000457.1, residues 920-940): QAVRDIFIRA[Gln930Arg]AAKPCILFFD